The following is an entry in ClinVar:

ClinVar aggregate classification (germline): Pathogenic (1 of 4 stars; one submission).

Conditions:
Neurofibromatosis, type 1 (NF1). Also called: VON RECKLINGHAUSEN DISEASE; Peripheral type neurofibromatosis; NEUROFIBROMATOSIS, TYPE I, SOMATIC; Neurofibromatosis, type I. Identifiers: Orphanet 636, MedGen C0027831, MONDO:0018975, OMIM 162200. Disease mechanism: loss of function.

Submission:

Labcorp Genetics (formerly Invitae), Labcorp
Classification: Pathogenic for Neurofibromatosis, type 1. Last evaluated: 2024-11-22. Review status: criteria provided, single submitter. Criteria: Invitae Variant Classification Sherloc (09022015). Collection method: clinical testing. Allele origin: germline.
Comment: This sequence change creates a premature translational stop signal (p.Asn1598Metfs*5) in the NF1 gene. It is expected to result in an absent or disrupted protein product. Loss-of-function variants in NF1 are known to be pathogenic (PMID: 10712197, 23913538). This variant is not present in population databases (gnomAD no frequency). This variant has not been reported in the literature in individuals affected with NF1-related conditions. ClinVar contains an entry for this variant (Variation ID: 1071980). For these reasons, this variant has been classified as Pathogenic.

Literature cited by the submitters: PubMed 10712197; PubMed 23913538.

NM_001042492.3(NF1):c.4856del (p.Asn1619fs)

Gene: NF1 (neurofibromin 1; plus strand). Cytogenetic location: 17q11.2.
Variant type: Deletion.
Coding change: c.4856del on transcript NM_001042492.3 (MANE Select); coding-DNA position 4856, one base deleted (A; older notation c.4856delA).
Protein change: p.Asn1619fs; shifts the reading frame from asparagine 1619.
Molecular consequence: frameshift variant.
Genome position (GRCh38, 1-based): chr17:31,325,840, A deleted; the last of 2 consecutive A bases (chr17:31,325,839-31,325,840); deleting either gives the same sequence. VCF-style (leftmost placement, unchanged base first): chr17-31325838-CA-C. GRCh37 (hg19) VCF-style: chr17-29652856-CA-C.
Other names: c.4793delA, p.Asn1598Metfs (NM_000267.4); short protein forms N1598fs, N1619fs.
Identifiers: ClinVar variation 1071980 (VCV001071980.5), dbSNP rs2151537536, ClinGen allele CA2499224154.